The following is an entry in ClinVar:

ClinVar aggregate classification (germline): Uncertain significance. Review status: criteria provided, multiple submitters, no conflicts (2 of 4 stars). 2 submissions from 2 submitters: Uncertain significance (2). Last evaluated 2025-06-12.

Conditions:
Inborn genetic diseases. Identifiers: MedGen C0950123, MeSH D030342.
T-cell immunodeficiency, congenital alopecia, and nail dystrophy. Also called: Congenital alopecia and nail dystrophy associated with severe functional T-cell immunodeficiency; Pignata Guarino syndrome. Identifiers: Orphanet 169095, MedGen C1866426, MONDO:0011132, OMIM 601705.

Allele frequency attached by ClinVar (database versions not stated): gnomAD exomes below 0.00001; TOPMed 0.00001.
gnomAD v4.1: 2 of 1,613,608 alleles (0.00012%); highest among the groups gnomAD compares: Admixed American, 0.0033%; no homozygotes.

Submissions (2):

Ambry Genetics
Classification: Uncertain significance for Inborn genetic diseases. Last evaluated: 2025-06-12. Review status: criteria provided, single submitter. Criteria: Ambry Variant Classification Scheme 2023. Collection method: clinical testing. Allele origin: germline.

Labcorp Genetics (formerly Invitae), Labcorp
Classification: Uncertain significance for T-cell immunodeficiency, congenital alopecia, and nail dystrophy. Last evaluated: 2022-05-17. Review status: criteria provided, single submitter. Criteria: Invitae Variant Classification Sherloc (09022015). Collection method: clinical testing. Allele origin: germline.
Comment: In summary, the available evidence is currently insufficient to determine the role of this variant in disease. Therefore, it has been classified as a Variant of Uncertain Significance. Algorithms developed to predict the effect of missense changes on protein structure and function are either unavailable or do not agree on the potential impact of this missense change (SIFT: "Tolerated"; PolyPhen-2: "Probably Damaging"; Align-GVGD: "Class C0"). This variant has not been reported in the literature in individuals affected with FOXN1-related conditions. This variant is present in population databases (no rsID available, gnomAD 0.006%). This sequence change replaces proline, which is neutral and non-polar, with serine, which is neutral and polar, at codon 73 of the FOXN1 protein (p.Pro73Ser).

NM_001369369.1(FOXN1):c.217C>T (p.Pro73Ser)

Gene: FOXN1 (forkhead box N1; plus strand). Cytogenetic location: 17q11.2.
Variant type: single nucleotide variant.
Coding change: c.217C>T on transcript NM_001369369.1 (MANE Select); coding-DNA position 217, C replaced by T.
Protein change: p.Pro73Ser; replaces proline 73 with serine.
Molecular consequence: missense variant.
Genome position (GRCh38, 1-based): chr17:28,524,596, C>T. VCF-style: chr17-28524596-C-T. GRCh37 (hg19) VCF-style: chr17-26851614-C-T.
Other names: c.217C>T, p.Pro73Ser (NM_003593.3); short protein forms P73S.
Identifiers: ClinVar variation 2146555 (VCV002146555.5), dbSNP rs1424357269, ClinGen allele CA398320789.
Genomic context (GRCh38, chr17:28,524,596, plus strand): 5'-TCCGACGGCCCTCCAGAGAGGACACCCTCACTGCCCCCACACAGCCCCCGCATTGCGTCA[C>T]CAGGGCCCGAGCAAGTCCAGGGCCACTGCCCAGCCGGCCCCGGCCCTGGGCCCTTCAGGC-3'
Protein context (NP_001356298.1, residues 63-83): LPPHSPRIAS[Pro73Ser]GPEQVQGHCP